The following continues an entry in ClinVar:

NM_001048174.2(MUTYH):c.1174C>A (p.Leu392Met)

Gene: MUTYH. ClinVar aggregate classification (germline): Conflicting classifications of pathogenicity. Uncertain significance (8); Benign (3); Likely benign (9).

Submissions 15 to 26 of 26:

University of Washington Department of Laboratory Medicine, University of Washington
Classification: Likely benign for MYH-associated polyposis. Last evaluated: 2018-05-17. Review status: criteria provided, single submitter. Criteria: Tsai GJ et al. (Genet Med 2018). Collection method: research. Allele origin: germline. Inheritance: Autosomal recessive inheritance. Affected: no.
Comment: The MUTYH variant designated as NM_001128425.1:c.1258C>A (p.Leu420Met, historically known as p.Leu417Met) was previously classified as a variant of uncertain significance and is now classified as likely benign. This variant has been reported in several population databases. It is present in approximately 1 in 900 individuals with European ancestry. This population frequency is not consistent with the frequency of pathogenic mutations in MUTYH. This variant is a missense variant and pathogenic variants in MUTYH are most frequently truncating variants. This variant has been classified as likely benign and benign by other laboratories (ClinVar Variation ID: 41752). Together, this information is consistent with a likely benign variant in MUTYH. Bayesian analysis integrating all of this data (Tavtigian et al, 2018, PMID:29300386) gives less than 1% probability of pathogenicity, which is consistent with a classification of likely benign. This variant is not predicted to alter MUTYH function or modify cancer risk. A modest (less than 2 fold) increase in cancer risk due to this variant cannot be excluded. This analysis was performed in conjunction with the family studies project as part of the University of Washington Find My Variant Study.

Institute for Biomarker Research, Medical Diagnostic Laboratories, L.L.C.
Classification: Uncertain significance for Hereditary cancer-predisposing syndrome. Last evaluated: 2017-07-12. Review status: criteria provided, single submitter. Criteria: ACMG Guidelines, 2015. Collection method: clinical testing. Allele origin: germline.

Laboratory for Molecular Medicine, Mass General Brigham Personalized Medicine
Classification: Uncertain significance. Last evaluated: 2016-11-30. Review status: criteria provided, single submitter. Criteria: ACMG Guidelines, 2015. Collection method: clinical testing. Allele origin: germline.
Comment: The p.Leu420Met variant in MUTYH has been reported in 4 individuals with colorectal cancer (Peterlongo 2006 - variant reported as Leu406Met, Ricci 2016), one of whom carried a second intronic variant in MUTYH, although phase was not known. Functional studies in bacteria (E.coli) suggest that the p.Leu420Met variant may not impact protein function (Komine 2015). However, these types of assays may not accurately represent biological function. This variant has been identified in 16/16506 South Asian chromosomes (0.1%) by the Exome Aggregation Consortium (ExAC; dbSNP rs144079536). This frequency is not high enough to rule out a pathogenic role. Computational prediction tools and conservation analysis do not provide strong support for or against an impact to the protein although 1 mammal (Pika) has the variant amino acid (Met) at this position. In summary, while the clinical significance of the p.Leu420Met variant is uncertain, these data suggest that it is more likely to be benign.

Vantari Genetics
Classification: Uncertain significance for Hereditary cancer-predisposing syndrome. Last evaluated: 2016-01-25. Review status: criteria provided, single submitter. Criteria: ACMG Guidelines, 2015. Collection method: clinical testing. Allele origin: germline.

Ambry Genetics
Classification: Benign for Hereditary cancer-predisposing syndrome. Last evaluated: 2014-06-30. Review status: criteria provided, single submitter. Criteria: Ambry Variant Classification Scheme 2023. Collection method: clinical testing. Allele origin: germline.

Laboratory of Medical Genetics Unit, Bambino Gesù Children's Hospital
Classification: Uncertain significance for Anaplastic/large cell medulloblastoma. Review status: criteria provided, single submitter. Criteria: ACMG Guidelines, 2015. Collection method: research. Allele origin: germline. Affected: yes.
Comment: The variant NM_001128425.2 (MUTYH): c.1258C>A (p.Leu420Met), also knowns as rs144079536, is rare in gnomAD and is annotated in ClinVar with conflicting classifications: uncertain significance, benign, and likely benign. It is associated with Familial adenomatous polyposis 2 [RCV000123143.35] and Hereditary cancer-predisposing syndrome [RCV000115755.23]. The variant is reported in the literature, and it is classified as variant of uncertain significance according to the ACMG criteria (PM2, PM5 and BP6).

PreventionGenetics, part of Exact Sciences
Classification: Likely benign for MUTYH-related condition. Last evaluated: 2023-06-01. Review status: no assertion criteria provided. Collection method: clinical testing. Allele origin: germline. Not counted in ClinVar's aggregate classification.
Comment: This variant is classified as likely benign based on ACMG/AMP sequence variant interpretation guidelines (Richards et al. 2015 PMID: 25741868, with internal and published modifications).

Center of Medical Genetics and Primary Health Care
Classification: Uncertain significance for Hereditary cancer-predisposing syndrome. Last evaluated: 2020-04-08. Review status: no assertion criteria provided. Collection method: research. Allele origin: germline. Affected: yes. Observed: 2 variant alleles, 2 heterozygotes. Not counted in ClinVar's aggregate classification.
Comment: ACMG Guidelines 2015 criteria PM1 Pathogenic Moderate: A domain DNA_Glycosylase_C (R354-483Y aa) involved in Adenine DNA glycosylation. Hot-spot has 24 non-VUS coding variants (12 PATH and 12 BEN), pathogenicity = 50.0%, proximity score 3.836 > threshold 2.472. PP2 Pathogenic Supporting: 59 out of 97 non-VUS missense variants in gene MUTYH are PATH = 60.8% > threshold of 51.0%, and 191 out of 1,184 clinically reported variants in gene MUTYH are PATH = 16.1% > threshold of 12.0%. PP3 Pathogenic Supporting: 7 pathogenic predictions from DANN, FATHMM-MKL, M-CAP, MVP, MutationAssessor, MutationTaster and SIFT vs 4 benign predictions from DEOGEN2, EIGEN, PrimateAI and REVEL. PP4 Pathogenic Supporting: The variant was detected in two unrelated female patients diagnosed with bilateral breast cancer or breast and ovarian cancers both with strong family history of breast and ovarian cancer. BS3 Benign Strong: At least one publication reports experimental evidence evaluating an impact on protein function. These results showed no damaging effect of this variant in an assay evaluating base excision repair (BER) with a MutY-Deficient E Coli complementation assay (PMID: 25820570). In summary, the available evidence is currently insufficient to determine the role of this variant in disease. Therefore, it has been classified as a Variant of Uncertain Significance.

True Health Diagnostics
Classification: Uncertain significance for Hereditary cancer-predisposing syndrome. Last evaluated: 2017-10-30. Review status: no assertion criteria provided. Collection method: clinical testing. Allele origin: germline. Not counted in ClinVar's aggregate classification.

CSER _CC_NCGL, University of Washington
Classification: Uncertain significance for MUTYH Associated Polyposis. Last evaluated: 2016-08-01. Review status: no assertion criteria provided. Collection method: research. Allele origin: germline. Inheritance: Autosomal recessive inheritance. Study: CSER - NEXT Medicine variant annotation. Not counted in ClinVar's aggregate classification.

Biesecker Lab/Clinical Genomics Section, National Institutes of Health
Classification: Uncertain significance. Last evaluated: 2012-07-13. Review status: no assertion criteria provided. Collection method: research. Allele origin: germline. Affected: no. Observed: 1 variant allele. Study: ClinSeq. Not counted in ClinVar's aggregate classification.
ClinVar note: Converted during submission from variant of unknown significance to Uncertain significance.

Department of Pathology and Laboratory Medicine, Sinai Health System
Classification: Likely benign for Carcinoma of colon. Review status: no assertion criteria provided. Collection method: clinical testing. Allele origin: unknown. Affected: yes. Study: The Canadian Open Genetics Repository (COGR). Not counted in ClinVar's aggregate classification.
Comment: The MUTYH p.Leu420Met variant was identified in 2 of 1084 proband chromosomes (frequency: 0.002) from individuals or families with MMR negative colon cancer or MUTYH-associated polyposis (Peterlongo 2006, Guarinos 2014). The variant was also present in 1 of 1096 chromosomes (frequency: 0.001) from individuals with atherosclerosis phenotypes with who underwent secondary variant detection (Johnston 2012). In a functional E. coli-based complementation assay, the variant retained functional expression, showing spontaneous mutation rates similar to wild type (Komine 2015). The variant was identified in dbSNP (ID: rs144079536) "With Uncertain significance, other allele", and ClinVar (classified with conflicting interpretations of pathogenicity: benign by Ambry Genetics and Color; likley benign by Invitae and two other laboratories; and uncertain significance by GeneDx and eight other laboratories). The variant was not identified in UMD-LSDB. The variant was identified in control databases in 151 (1 homozygous) of 276982 chromosomes at a frequency of 0.0005 increasing the likelihood this could be a low frequency benign variant (Genome Aggregation Database Feb 27, 2017), observed in the following populations: African in 3 of 24014 chromosomes (freq: 0.0001), Other in 4 of 6462 chromosomes (freq: 0.0006), Latino in 19 of 34416 chromosomes (freq: 0.0006), European Non-Finnish in 77 of 126584 chromosomes (freq: 0.0006), Ashkenazi Jewish in 20 (1 homozygous) of 10150 chromosomes (freq: 0.002), and South Asian in 28 of 30778 chromosomes (freq: 0.0009) while not observed in the East Asian and European Finnish populations. The p.Leu420 residue is conserved in mammals but not in more distantly related organisms, however four out of five computational analyses (PolyPhen-2, SIFT, AlignGVGD, BLOSUM, MutationTaster) do not suggest a high likelihood the variant Met impacts the protein; this information is not predictive enough to rule out pathogenicity. The variant occurs outside of the splicing consensus sequence and in silico or computational prediction software programs (SpliceSiteFinder, MaxEntScan, NNSPLICE, GeneSplicer) do not predict a difference in splicing. In summary, based on the above information the clinical significance of this variant cannot be determined with certainty at this time although we would lean towards a more benign role for this variant. This variant is classified as likely benign.

Literature cited by the submitters: PubMed 16774938 (cited by 7 submitters); PubMed 25822476 (cited by Center for Genomic Medicine, Rigshospitalet, Copenhagen University Hospital and Quest Diagnostics Nichols Institute San Juan Capistrano); PubMed 25820570 (cited by 6 submitters); PubMed 29700634 (cited by Quest Diagnostics Nichols Institute San Juan Capistrano and Sema4); PubMed 26689913 (cited by Quest Diagnostics Nichols Institute San Juan Capistrano and Women's Health and Genetics/Laboratory Corporation of America, LabCorp); PubMed 30374176 (cited by 3 submitters); PubMed 19725997 (cited by Quest Diagnostics Nichols Institute San Juan Capistrano and Illumina Laboratory Services, Illumina); PubMed 21287799 (cited by Quest Diagnostics Nichols Institute San Juan Capistrano and Women's Health and Genetics/Laboratory Corporation of America, LabCorp); PubMed 25503501 (cited by Quest Diagnostics Nichols Institute San Juan Capistrano and Women's Health and Genetics/Laboratory Corporation of America, LabCorp); PubMed 34326862 (cited by Quest Diagnostics Nichols Institute San Juan Capistrano); PubMed 38308423 (cited by Quest Diagnostics Nichols Institute San Juan Capistrano); PubMed 38790183 (cited by Quest Diagnostics Nichols Institute San Juan Capistrano); PubMed 28717660 (cited by Quest Diagnostics Nichols Institute San Juan Capistrano and Women's Health and Genetics/Laboratory Corporation of America, LabCorp); PubMed 28526081 (cited by Quest Diagnostics Nichols Institute San Juan Capistrano and Women's Health and Genetics/Laboratory Corporation of America, LabCorp); PubMed 30564557 (cited by 3 submitters); PubMed 32066632 (cited by Quest Diagnostics Nichols Institute San Juan Capistrano); PubMed 33558524 (cited by Quest Diagnostics Nichols Institute San Juan Capistrano); PubMed 39659251 (cited by Quest Diagnostics Nichols Institute San Juan Capistrano); PubMed 37460928 (cited by Quest Diagnostics Nichols Institute San Juan Capistrano); PubMed 27829682 (cited by 4 submitters); PubMed 17949294 (cited by 4 submitters); PubMed 20110747 (cited by 3 submitters); PubMed 24470512 (cited by 4 submitters); PubMed 21777424 (cited by 3 submitters); PubMed 28202063 (cited by 3 submitters); PubMed 28199314 (cited by Quest Diagnostics Nichols Institute San Juan Capistrano); PubMed 23108399 (cited by Quest Diagnostics Nichols Institute San Juan Capistrano); PubMed 32658311 (cited by Quest Diagnostics Nichols Institute San Juan Capistrano and Women's Health and Genetics/Laboratory Corporation of America, LabCorp); PubMed 31203172 (cited by Quest Diagnostics Nichols Institute San Juan Capistrano and Women's Health and Genetics/Laboratory Corporation of America, LabCorp); PubMed 33471991 (cited by Quest Diagnostics Nichols Institute San Juan Capistrano); PubMed 26632267 (cited by Women's Health and Genetics/Laboratory Corporation of America, LabCorp); PubMed 26580448 (cited by Women's Health and Genetics/Laboratory Corporation of America, LabCorp); PubMed 28873161 (cited by Women's Health and Genetics/Laboratory Corporation of America, LabCorp); PubMed 18515411 (cited by Illumina Laboratory Services, Illumina); PubMed 26300997 (cited by Illumina Laboratory Services, Illumina).